The following is an entry in ClinVar:

ClinVar aggregate classification (germline): Pathogenic (1 of 4 stars; one submission).

Submission:

Labcorp Genetics (formerly Invitae), Labcorp
Classification: Pathogenic. Last evaluated: 2023-06-23. Review status: criteria provided, single submitter. Criteria: Invitae Variant Classification Sherloc (09022015). Collection method: clinical testing. Allele origin: germline.
Comment: For these reasons, this variant has been classified as Pathogenic. This variant has not been reported in the literature in individuals affected with ASNS-related conditions. This variant is not present in population databases (gnomAD no frequency). This sequence change creates a premature translational stop signal (p.Gln284Profs*17) in the ASNS gene. It is expected to result in an absent or disrupted protein product. Loss-of-function variants in ASNS are known to be pathogenic (PMID: 27422383, 30057589).

Literature cited by the submitters: PubMed 27422383; PubMed 30057589.

NM_001673.5(ASNS):c.848dup (p.Gln284fs)

Genes: ASNS (asparagine synthetase (glutamine-hydrolyzing); minus strand), CZ1P-ASNS (CZ1P-ASNS readthrough; minus strand). Cytogenetic location: 7q21.3.
Variant type: Duplication.
Coding change: c.848dup on transcript NM_001673.5 (MANE Select); coding-DNA position 848, one base duplicated (T; older notation c.848dupT).
Protein change: p.Gln284fs; shifts the reading frame from glutamine 284.
Molecular consequence: frameshift variant. On other transcripts: non-coding transcript variant (1).
Genome position (GRCh38, 1-based): chr7:97,858,333, A duplicated on the plus strand (T on the coding strand, the reverse complement: ASNS is on the minus strand). VCF-style (leftmost placement, unchanged base first): chr7-97858332-G-GA. GRCh37 (hg19) VCF-style: chr7-97487644-G-GA.
Other names: c.785dup, p.Gln263fs (NM_001178075.2); c.599dup, p.Gln201fs (NM_001178076.2, NM_001178077.1); c.848dup, p.Gln284fs (NM_001352496.2, NM_133436.3, NM_183356.4); short protein forms Q201fs, Q263fs, Q284fs.
Identifiers: ClinVar variation 2720420 (VCV002720420.3), dbSNP rs2484656322, ClinGen allele CA2697557425.